The following is an entry in ClinVar:

ClinVar aggregate classification (germline): Uncertain significance (1 of 4 stars; one submission).

Conditions:
Cardiovascular phenotype. Identifiers: MedGen CN230736.

Submission:

Ambry Genetics
Classification: Uncertain significance for Cardiovascular phenotype. Last evaluated: 2021-11-22. Review status: criteria provided, single submitter. Criteria: Ambry Variant Classification Scheme 2023. Collection method: clinical testing. Allele origin: germline.
Comment: The p.G385R variant (also known as c.1153G>A), located in coding exon 9 of the EFEMP2 gene, results from a G to A substitution at nucleotide position 1153. The glycine at codon 385 is replaced by arginine, an amino acid with dissimilar properties. This amino acid position is conserved. In addition, the in silico prediction for this alteration is inconclusive. Since supporting evidence is limited at this time, the clinical significance of this alteration remains unclear.

NM_016938.5(EFEMP2):c.1153G>A (p.Gly385Arg)

Gene: EFEMP2 (EGF containing fibulin extracellular matrix protein 2; minus strand). Cytogenetic location: 11q13.1.
Variant type: single nucleotide variant.
Coding change: c.1153G>A on transcript NM_016938.5 (MANE Select); coding-DNA position 1153, G replaced by A.
Protein change: p.Gly385Arg; replaces glycine 385 with arginine.
Molecular consequence: missense variant. On other transcripts: non-coding transcript variant (1).
Genome position (GRCh38, 1-based): chr11:65,867,878, C>T on the plus strand (G>A on the coding strand, the complement: EFEMP2 is on the minus strand). VCF-style: chr11-65867878-C-T. GRCh37 (hg19) VCF-style: chr11-65635349-C-T.
Other names: short protein forms G385R.
Identifiers: ClinVar variation 1734683 (VCV001734683.2), dbSNP rs2495572360, ClinGen allele CA381350664.